The following is an entry in ClinVar:

NM_017951.5(SMPD4):c.2123T>C (p.Leu708Pro)

Gene: SMPD4 (sphingomyelin phosphodiesterase 4; minus strand). Cytogenetic location: 2q21.1.
Variant type: single nucleotide variant.
Coding change: c.2123T>C on transcript NM_017951.5 (MANE Select); coding-DNA position 2123, T replaced by C.
Protein change: p.Leu708Pro; replaces leucine 708 with proline.
Molecular consequence: missense variant. On other transcripts: non-coding transcript variant (2).
Genome position (GRCh38, 1-based): chr2:130,153,074, A>G on the plus strand (T>C on the coding strand, the complement: SMPD4 is on the minus strand). VCF-style: chr2-130153074-A-G. GRCh37 (hg19) VCF-style: chr2-130910647-A-G.
Other names: c.1934T>C, p.Leu645Pro (NM_001171083.2); c.2153T>C, p.Leu718Pro (NM_017751.4); short protein forms L645P, L708P, L718P.
Identifiers: ClinVar variation 1800911 (VCV001800911.1), dbSNP rs1184555204, ClinGen allele CA348471369.

ClinVar aggregate classification (germline): Uncertain significance (1 of 4 stars; one submission).

Allele frequency attached by ClinVar (database versions not stated): gnomAD exomes below 0.00001; gnomAD 0.00001; TOPMed 0.00002.
gnomAD v4.1: 5 of 1,612,760 alleles (0.00031%); highest among the groups gnomAD compares: African/African-American, 0.0013%; no homozygotes.

Submission:

GeneDx
Classification: Uncertain significance. Last evaluated: 2022-05-24. Review status: criteria provided, single submitter. Criteria: GeneDx Variant Classification Process June 2021. Collection method: clinical testing. Allele origin: germline. Affected: yes.
Comment: Not observed at significant frequency in large population cohorts (gnomAD); In silico analysis supports that this missense variant has a deleterious effect on protein structure/function; Has not been previously published as pathogenic or benign to our knowledge